The following is an entry in ClinVar:

ClinVar aggregate classification (germline): Conflicting classifications of pathogenicity. Review status: criteria provided, conflicting classifications (1 of 4 stars). 2 submissions from 2 submitters: Uncertain significance (1); Likely benign (1). Last evaluated 2025-08-07.

Conditions:
Hereditary cancer-predisposing syndrome. Also called: Neoplastic Syndromes, Hereditary; Tumor predisposition; Hereditary Cancer Syndrome; Hereditary neoplastic syndrome. Identifiers: Orphanet 140162, MedGen C0027672, MeSH D009386, MONDO:0015356.
Familial cancer of breast. Also called: hereditary breast carcinoma; BREAST CANCER, FAMILIAL; Hereditary breast cancer. Identifiers: Orphanet 227535, MedGen C0346153, MONDO:0016419, OMIM 114480. Disease mechanism: loss of function.

Submissions (2):

Labcorp Genetics (formerly Invitae), Labcorp
Classification: Uncertain significance for Familial cancer of breast. Last evaluated: 2025-08-07. Review status: criteria provided, single submitter. Criteria: Invitae Variant Classification Sherloc (09022015). Collection method: clinical testing. Allele origin: germline.
Comment: This sequence change replaces phenylalanine, which is neutral and non-polar, with leucine, which is neutral and non-polar, at codon 272 of the BARD1 protein (p.Phe272Leu). This variant is not present in population databases (gnomAD no frequency). This variant has not been reported in the literature in individuals affected with BARD1-related conditions. ClinVar contains an entry for this variant (Variation ID: 1762278). An algorithm developed to predict the effect of missense changes on protein structure and function outputs the following: PolyPhen-2: "Benign". The leucine amino acid residue is found in multiple mammalian species, which suggests that this missense change does not adversely affect protein function. In summary, the available evidence is currently insufficient to determine the role of this variant in disease. Therefore, it has been classified as a Variant of Uncertain Significance.

Ambry Genetics
Classification: Likely benign for Hereditary cancer-predisposing syndrome. Last evaluated: 2024-02-26. Review status: criteria provided, single submitter. Criteria: Ambry Variant Classification Scheme 2023. Collection method: clinical testing. Allele origin: germline.

NM_000465.4(BARD1):c.816T>A (p.Phe272Leu)

Gene: BARD1 (BRCA1 associated RING domain 1; minus strand). Cytogenetic location: 2q35.
Variant type: single nucleotide variant.
Coding change: c.816T>A on transcript NM_000465.4 (MANE Select); coding-DNA position 816, T replaced by A.
Protein change: p.Phe272Leu; replaces phenylalanine 272 with leucine.
Molecular consequence: missense variant. On other transcripts: non-coding transcript variant (2), intron variant (3).
Genome position (GRCh38, 1-based): chr2:214,781,058, A>T on the plus strand (T>A on the coding strand, the complement: BARD1 is on the minus strand). VCF-style: chr2-214781058-A-T. GRCh37 (hg19) VCF-style: chr2-215645782-A-T.
Other names: c.759T>A, p.Phe253Leu (NM_001282543.2); c.158+28354T>A (NM_001282548.2); c.215+16003T>A (NM_001282545.2); c.364+11239T>A (NM_001282549.2); short protein forms F253L, F272L.
Identifiers: ClinVar variation 1762278 (VCV001762278.5), dbSNP rs2469507897, ClinGen allele CA350455493.
Genomic context (GRCh38, chr2:214,781,058, plus strand): 5'-CTTAGTGTCTGGAGACTCTATTTGCTCAGCCAATGGTAAAGAGACTTCAGTTAAACTTCC[A>T]AAACATTCAGATTCTGTCAAGGAGCCACTTGCTAGTAAGTCTATTTCACCATTTATCTGA-3'
Protein context (NP_000456.2, residues 262-282): ASGSLTESEC[Phe272Leu]GSLTEVSLPL